The following is an entry in ClinVar:

NM_001257096.2(PAX1):c.940A>G (p.Thr314Ala)

Gene: PAX1 (paired box 1; plus strand). Cytogenetic location: 20p11.22.
Variant type: single nucleotide variant.
Coding change: c.940A>G on transcript NM_001257096.2 (MANE Select); coding-DNA position 940, A replaced by G.
Protein change: p.Thr314Ala; replaces threonine 314 with alanine.
Molecular consequence: missense variant.
Genome position (GRCh38, 1-based): chr20:21,708,581, A>G. VCF-style: chr20-21708581-A-G. GRCh37 (hg19) VCF-style: chr20-21689219-A-G.
Other names: c.940A>G, p.Thr314Ala (NM_006192.5); short protein forms T314A.
Identifiers: ClinVar variation 1413549 (VCV001413549.6), dbSNP rs750255614, ClinGen allele CA9786629.

ClinVar aggregate classification (germline): Uncertain significance (1 of 4 stars; one submission).

Allele frequency attached by ClinVar (database versions not stated): gnomAD exomes below 0.00001 and 0.00001; ExAC 0.00001.
gnomAD v4.1: 3 of 1,613,754 alleles (0.00019%); highest among the groups gnomAD compares: South Asian, 0.0033%; no homozygotes.

Submission:

Labcorp Genetics (formerly Invitae), Labcorp
Classification: Uncertain significance. Last evaluated: 2025-10-13. Review status: criteria provided, single submitter. Criteria: Invitae Variant Classification Sherloc (09022015). Collection method: clinical testing. Allele origin: germline.
Comment: This sequence change replaces threonine, which is neutral and polar, with alanine, which is neutral and non-polar, at codon 314 of the PAX1 protein (p.Thr314Ala). This variant is present in population databases (rs750255614, gnomAD 0.006%). This variant has not been reported in the literature in individuals affected with PAX1-related conditions. ClinVar contains an entry for this variant (Variation ID: 1413549). Invitae Evidence Modeling of protein sequence and biophysical properties (such as structural, functional, and spatial information, amino acid conservation, physicochemical variation, residue mobility, and thermodynamic stability) indicates that this missense variant is not expected to disrupt PAX1 protein function with a negative predictive value of 80%. In summary, the available evidence is currently insufficient to determine the role of this variant in disease. Therefore, it has been classified as a Variant of Uncertain Significance.